The following is an entry in ClinVar:

ClinVar aggregate classification (germline): Uncertain significance (1 of 4 stars; one submission).

Conditions:
Immunodeficiency 35 (IMD35). Also called: Susceptibility to infection due to TYK2 deficiency; TYK2 DEFICIENCY; HIES WITH ATYPICAL MYCOBACTERIOSIS, AUTOSOMAL RECESSIVE; HYPER-IgE SYNDROME WITH ATYPICAL MYCOBACTERIOSIS, AUTOSOMAL RECESSIVE. Identifiers: Orphanet 331226, MedGen C1969086, MONDO:0012682, OMIM 611521.

Allele frequency attached by ClinVar (database versions not stated): gnomAD 0.00001.
gnomAD v4.1: 8 of 1,614,038 alleles (0.0005%); highest among the groups gnomAD compares: African/African-American, 0.0013%; no homozygotes.

Submission:

Labcorp Genetics (formerly Invitae), Labcorp
Classification: Uncertain significance for Immunodeficiency 35. Last evaluated: 2024-08-29. Review status: criteria provided, single submitter. Criteria: Invitae Variant Classification Sherloc (09022015). Collection method: clinical testing. Allele origin: germline.
Comment: This sequence change replaces arginine, which is basic and polar, with glutamine, which is neutral and polar, at codon 1130 of the TYK2 protein (p.Arg1130Gln). This variant is present in population databases (no rsID available, gnomAD 0.007%). This variant has not been reported in the literature in individuals affected with TYK2-related conditions. ClinVar contains an entry for this variant (Variation ID: 1895527). Invitae Evidence Modeling of protein sequence and biophysical properties (such as structural, functional, and spatial information, amino acid conservation, physicochemical variation, residue mobility, and thermodynamic stability) indicates that this missense variant is not expected to disrupt TYK2 protein function with a negative predictive value of 80%. In summary, the available evidence is currently insufficient to determine the role of this variant in disease. Therefore, it has been classified as a Variant of Uncertain Significance.

NM_003331.5(TYK2):c.3389G>A (p.Arg1130Gln)

Gene: TYK2 (tyrosine kinase 2; minus strand). Cytogenetic location: 19p13.2.
Variant type: single nucleotide variant.
Coding change: c.3389G>A on transcript NM_003331.5 (MANE Select); coding-DNA position 3389, G replaced by A.
Protein change: p.Arg1130Gln; replaces arginine 1130 with glutamine.
Molecular consequence: missense variant. On other transcripts: intron variant (1).
Genome position (GRCh38, 1-based): chr19:10,351,092, C>T on the plus strand (G>A on the coding strand, the complement: TYK2 is on the minus strand). VCF-style: chr19-10351092-C-T. GRCh37 (hg19) VCF-style: chr19-10461768-C-T.
Other names: c.3239G>A, p.Arg1080Gln (NM_001385198.1); c.3203G>A, p.Arg1068Gln (NM_001385199.1); c.3386G>A, p.Arg1129Gln (NM_001385200.1); c.3191G>A, p.Arg1064Gln (NM_001385201.1); c.3305G>A, p.Arg1102Gln (NM_001385202.1); c.3470G>A, p.Arg1157Gln (NM_001385203.1); c.3599G>A, p.Arg1200Gln (NM_001385204.1); c.3299G>A, p.Arg1100Gln (NM_001385205.1); and 4 more; short protein forms R1080Q, R1100Q, R1124Q, R1130Q, R1068Q, R1088Q, R1064Q, R1129Q.
Identifiers: ClinVar variation 1895527 (VCV001895527.5), dbSNP rs1291092209, ClinGen allele CA403980411.